The following is an entry in ClinVar:

NM_002047.4(GARS1):c.2220A>C (p.Ter740Cys)

Gene: GARS1 (glycyl-tRNA synthetase 1; plus strand). Cytogenetic location: 7p14.3.
Variant type: single nucleotide variant.
Coding change: c.2220A>C on transcript NM_002047.4 (MANE Select); coding-DNA position 2220, A replaced by C.
Protein change: p.Ter740Cys.
Molecular consequence: stop lost.
Genome position (GRCh38, 1-based): chr7:30,633,860, A>C. VCF-style: chr7-30633860-A-C. GRCh37 (hg19) VCF-style: chr7-30673476-A-C.
Other names: *740C; *686C; c.2058A>C, p.Ter686Cys (NM_001316772.1).
Identifiers: ClinVar variation 937796 (VCV000937796.7), dbSNP rs1783284502, ClinGen allele CA367132353.
Genomic context (GRCh38, chr7:30,633,860, plus strand): 5'-GGCCAGGTATCCTCTGTTTGAAGGGCAAGAGACTGGTAAAAAAGAGACAATCGAGGAATG[A>C]GGACAATTTTGACAACTTTTGACCACTTGCGCTAATAAAAAAAAAAAAAAACTACTCTTA-3'

ClinVar aggregate classification (germline): Uncertain significance (1 of 4 stars; one submission).

Conditions:
Charcot-Marie-Tooth disease type 2. Also called: Charcot-Marie-Tooth type 2. Identifiers: Orphanet 64746, MedGen C0270914, MONDO:0018993.

Allele frequency attached by ClinVar (database versions not stated): gnomAD exomes below 0.00001.
gnomAD v4.1: 4 of 1,545,560 alleles (0.00026%); highest among the groups gnomAD compares: Non-Finnish European, 0.00018%; no homozygotes.

Submission:

Labcorp Genetics (formerly Invitae), Labcorp
Classification: Uncertain significance for Charcot-Marie-Tooth disease type 2. Last evaluated: 2023-07-19. Review status: criteria provided, single submitter. Criteria: Invitae Variant Classification Sherloc (09022015). Collection method: clinical testing. Allele origin: germline.
Comment: In summary, the available evidence is currently insufficient to determine the role of this variant in disease. Therefore, it has been classified as a Variant of Uncertain Significance. Experimental studies and prediction algorithms are not available or were not evaluated, and the functional significance of this variant is currently unknown. ClinVar contains an entry for this variant (Variation ID: 937796). This variant has not been reported in the literature in individuals affected with GARS-related conditions. This variant is not present in population databases (gnomAD no frequency). This sequence change disrupts the translational stop signal of the GARS mRNA. It is expected to extend the length of the GARS protein by 4 additional amino acid residues.